The following is an entry in ClinVar:

ClinVar aggregate classification (germline): Uncertain significance (1 of 4 stars; one submission).

Submission:

Labcorp Genetics (formerly Invitae), Labcorp
Classification: Uncertain significance. Last evaluated: 2021-10-07. Review status: criteria provided, single submitter. Criteria: Invitae Variant Classification Sherloc (09022015). Collection method: clinical testing. Allele origin: germline.
Comment: In summary, the available evidence is currently insufficient to determine the role of this variant in disease. Therefore, it has been classified as a Variant of Uncertain Significance. This sequence change affects the initiator methionine of the CCDC8 mRNA. The next in-frame methionine is located at codon 59. The frequency data for this variant in the population databases is not available, as this variant may be reported as separate entries in the ExAC database. This variant has not been reported in the literature in individuals affected with CCDC8-related conditions. Experimental studies and prediction algorithms are not available or were not evaluated, and the functional significance of this variant is currently unknown.

NM_032040.5(CCDC8):c.2_3delinsGA (p.Met1Arg)

Gene: CCDC8 (coiled-coil domain containing 8 subunit of 3M complex; minus strand). Cytogenetic location: 19q13.32.
Variant type: Indel.
Coding change: c.2_3delinsGA on transcript NM_032040.5 (MANE Select); coding-DNA positions 2 to 3, TG replaced by GA.
Protein change: p.Met1Arg; changes the start codon (methionine 1).
Molecular consequence: missense variant, initiator codon variant.
Genome position (GRCh38, 1-based): chr19:46,412,808-46,412,809, CA replaced by TC on the plus strand (TG replaced by GA on the coding strand, the reverse complement: CCDC8 is on the minus strand). VCF-style: chr19-46412808-CA-TC. GRCh37 (hg19) VCF-style: chr19-46916065-CA-TC.
Other names: short protein forms M1R.
Identifiers: ClinVar variation 1383916 (VCV001383916.6), dbSNP rs2147433189, ClinGen allele CA2573156471.